The following is an entry in ClinVar:

NM_006767.4(LZTR1):c.1367T>C (p.Val456Ala)

Gene: LZTR1 (leucine zipper like post translational regulator 1; plus strand). Cytogenetic location: 22q11.21.
Variant type: single nucleotide variant.
Coding change: c.1367T>C on transcript NM_006767.4 (MANE Select); coding-DNA position 1367, T replaced by C.
Protein change: p.Val456Ala; replaces valine 456 with alanine.
Molecular consequence: missense variant.
Genome position (GRCh38, 1-based): chr22:20,993,937, T>C. VCF-style: chr22-20993937-T-C. GRCh37 (hg19) VCF-style: chr22-21348226-T-C.
Other names: short protein forms V456A.
Identifiers: ClinVar variation 1810648 (VCV001810648.1), dbSNP rs2518620387, ClinGen allele CA410775028.
Genomic context (GRCh38, chr22:20,993,937, plus strand): 5'-GGGGCGAGGGTCCTGTGCCCTCTGCCAGTGCATCATTCTTTGTGCAGAAGGAGGAGTGCG[T>C]GCAGGGCCACGTAGCCATTGTCACAGCGCGGAGCCGCTGGCTTCGCAGGAAGATCACGCA-3'
Protein context (NP_006758.2, residues 446-466): EFVLGEKEEC[Val456Ala]QGHVAIVTAR

ClinVar aggregate classification (germline): Uncertain significance (1 of 4 stars; one submission).

Submission:

GeneDx
Classification: Uncertain significance. Last evaluated: 2022-07-05. Review status: criteria provided, single submitter. Criteria: GeneDx Variant Classification Process June 2021. Collection method: clinical testing. Allele origin: germline. Affected: yes.
Comment: Not observed at significant frequency in large population cohorts (gnomAD); In silico analysis supports that this missense variant has a deleterious effect on protein structure/function; Has not been previously published as pathogenic or benign to our knowledge